The following is an entry in ClinVar:

ClinVar aggregate classification (germline): Uncertain significance (1 of 4 stars; one submission).

Submission:

Labcorp Genetics (formerly Invitae), Labcorp
Classification: Uncertain significance. Last evaluated: 2024-04-03. Review status: criteria provided, single submitter. Criteria: Invitae Variant Classification Sherloc (09022015). Collection method: clinical testing. Allele origin: germline.
Comment: This sequence change replaces alanine, which is neutral and non-polar, with valine, which is neutral and non-polar, at codon 3131 of the HECTD4 protein (p.Ala3131Val). This variant is not present in population databases (gnomAD no frequency). This variant has not been reported in the literature in individuals affected with HECTD4-related conditions. Algorithms developed to predict the effect of missense changes on protein structure and function are either unavailable or do not agree on the potential impact of this missense change (SIFT: "Not Available"; PolyPhen-2: "Not Available"; Align-GVGD: "Not Available"). In summary, the available evidence is currently insufficient to determine the role of this variant in disease. Therefore, it has been classified as a Variant of Uncertain Significance.

NM_001388303.1(HECTD4):c.9794C>T (p.Ala3265Val)

Gene: HECTD4 (HECT domain E3 ubiquitin protein ligase 4; minus strand). Cytogenetic location: 12q24.13.
Variant type: single nucleotide variant.
Coding change: c.9794C>T on transcript NM_001388303.1 (MANE Select); coding-DNA position 9794, C replaced by T.
Protein change: p.Ala3265Val; replaces alanine 3265 with valine.
Molecular consequence: missense variant.
Genome position (GRCh38, 1-based): chr12:112,185,172, G>A on the plus strand (C>T on the coding strand, the complement: HECTD4 is on the minus strand). VCF-style: chr12-112185172-G-A. GRCh37 (hg19) VCF-style: chr12-112622976-G-A.
Other names: c.9824C>T, p.Ala3275Val (NM_001109662.4); short protein forms A3265V, A3275V.
Identifiers: ClinVar variation 3679419 (VCV003679419.2).
Genomic context (GRCh38, chr12:112,185,172, plus strand): 5'-GCGGTCGCTGAGGTCACCCCACTGGCTGTGACACTCATGTTAGTAGGCAGGGTCACTTCG[G>A]CCACAGCCAGGCACCCTTCCATGAGTGCATGAAAATACGTAGAGAACCTGCCCTGGTCAC-3'
Protein context (NP_001375232.1, residues 3255-3275): HALMEGCLAV[Ala3265Val]EVTLPTNMSV